The following is an entry in ClinVar:

ClinVar aggregate classification (germline): Uncertain significance (1 of 4 stars; one submission).

Allele frequency attached by ClinVar (database versions not stated): TOPMed below 0.00001; ExAC 0.00001; gnomAD 0.00001.
gnomAD v4.1: 1 of 1,612,232 alleles (0.000062%); highest among the groups gnomAD compares: African/African-American, 0.0013%; no homozygotes.

Submission:

Labcorp Genetics (formerly Invitae), Labcorp
Classification: Uncertain significance. Last evaluated: 2023-08-17. Review status: criteria provided, single submitter. Criteria: Invitae Variant Classification Sherloc (09022015). Collection method: clinical testing. Allele origin: germline.
Comment: In summary, the available evidence is currently insufficient to determine the role of this variant in disease. Therefore, it has been classified as a Variant of Uncertain Significance. An algorithm developed to predict the effect of missense changes on protein structure and function (PolyPhen-2) suggests that this variant is likely to be disruptive. ClinVar contains an entry for this variant (Variation ID: 955082). This variant has not been reported in the literature in individuals affected with WHRN-related conditions. This variant is not present in population databases (gnomAD no frequency). This sequence change replaces alanine, which is neutral and non-polar, with valine, which is neutral and non-polar, at codon 462 of the WHRN protein (p.Ala462Val).

NM_015404.4(WHRN):c.1385C>T (p.Ala462Val)

Gene: WHRN (whirlin; minus strand). Cytogenetic location: 9q32.
Variant type: single nucleotide variant.
Coding change: c.1385C>T on transcript NM_015404.4 (MANE Select); coding-DNA position 1385, C replaced by T.
Protein change: p.Ala462Val; replaces alanine 462 with valine.
Molecular consequence: missense variant.
Genome position (GRCh38, 1-based): chr9:114,424,365, G>A on the plus strand (C>T on the coding strand, the complement: WHRN is on the minus strand). VCF-style: chr9-114424365-G-A. GRCh37 (hg19) VCF-style: chr9-117186645-G-A.
Other names: c.236C>T, p.Ala79Val (NM_001083885.3); c.1385C>T, p.Ala462Val (NM_001173425.2); c.332C>T, p.Ala111Val (NM_001346890.1); short protein forms A111V, A462V, A79V.
Identifiers: ClinVar variation 955082 (VCV000955082.9), dbSNP rs778565930, ClinGen allele CA5205979.